The following is an entry in ClinVar:

NM_004519.4(KCNQ3):c.2060A>G (p.Tyr687Cys)

Gene: KCNQ3 (potassium voltage-gated channel subfamily Q member 3; minus strand). Cytogenetic location: 8q24.22.
Variant type: single nucleotide variant.
Coding change: c.2060A>G on transcript NM_004519.4 (MANE Select); coding-DNA position 2060, A replaced by G.
Protein change: p.Tyr687Cys; replaces tyrosine 687 with cysteine.
Molecular consequence: missense variant.
Genome position (GRCh38, 1-based): chr8:132,129,821, T>C on the plus strand (A>G on the coding strand, the complement: KCNQ3 is on the minus strand). VCF-style: chr8-132129821-T-C. GRCh37 (hg19) VCF-style: chr8-133142068-T-C.
Other names: c.1700A>G, p.Tyr567Cys (NM_001204824.2); short protein forms Y567C, Y687C.
Identifiers: ClinVar variation 1707007 (VCV001707007.9), dbSNP rs757584140, ClinGen allele CA372217026.

ClinVar aggregate classification (germline): Uncertain significance. Review status: criteria provided, multiple submitters, no conflicts (2 of 4 stars). 4 submissions from 4 submitters: Uncertain significance (4). Last evaluated 2025-09-14.

Conditions:
Inborn genetic diseases. Identifiers: MedGen C0950123, MeSH D030342.
Benign neonatal seizures. Also called: Convulsions benign familial neonatal dominant form; Autosomal dominant form of benign neonatal seizures; Benign familial neonatal epilepsy; Benign familial neonatal seizures; Benign neonatal familial convulsions. Identifiers: Orphanet 1949, MedGen C0220669, MONDO:0016027.
Seizures, benign familial neonatal, 2. Also called: Seizures, benign neonatal, 2; Benign Neonatal Epilepsy 2; CONVULSIONS, BENIGN FAMILIAL NEONATAL, 2; KCNQ3-Related Self-Limited Familial Neonatal Epilepsy (SLFNE); KCNQ3-Related Benign Familial Neonatal Epilepsy. Identifiers: Orphanet 1949, MedGen C1852581, MONDO:0007366, OMIM 121201.

Allele frequency attached by ClinVar (database versions not stated): gnomAD 0.00003; TOPMed 0.00001.
gnomAD v4.1: 8 of 1,614,068 alleles (0.0005%); highest among the groups gnomAD compares: African/African-American, 0.0067%; no homozygotes.

Submissions (4):

Labcorp Genetics (formerly Invitae), Labcorp
Classification: Uncertain significance for Benign neonatal seizures. Last evaluated: 2025-09-14. Review status: criteria provided, single submitter. Criteria: Invitae Variant Classification Sherloc (09022015). Collection method: clinical testing. Allele origin: germline.
Comment: This sequence change replaces tyrosine, which is neutral and polar, with cysteine, which is neutral and slightly polar, at codon 687 of the KCNQ3 protein (p.Tyr687Cys). This variant is present in population databases (no rsID available, gnomAD 0.008%). This variant has not been reported in the literature in individuals affected with KCNQ3-related conditions. ClinVar contains an entry for this variant (Variation ID: 1707007). Invitae Evidence Modeling of protein sequence and biophysical properties (such as structural, functional, and spatial information, amino acid conservation, physicochemical variation, residue mobility, and thermodynamic stability) indicates that this missense variant is not expected to disrupt KCNQ3 protein function with a negative predictive value of 80%. In summary, the available evidence is currently insufficient to determine the role of this variant in disease. Therefore, it has been classified as a Variant of Uncertain Significance.

Ambry Genetics
Classification: Uncertain significance for Inborn genetic diseases. Last evaluated: 2023-08-09. Review status: criteria provided, single submitter. Criteria: Ambry Variant Classification Scheme 2023. Collection method: clinical testing. Allele origin: germline.

GeneDx
Classification: Uncertain significance. Last evaluated: 2022-03-21. Review status: criteria provided, single submitter. Criteria: GeneDx Variant Classification Process June 2021. Collection method: clinical testing. Allele origin: germline. Affected: yes.
Comment: In silico analysis supports that this missense variant does not alter protein structure/function; Has not been previously published as pathogenic or benign to our knowledge

Revvity Omics, Revvity
Classification: Uncertain significance for Seizures, benign familial neonatal, 2. Last evaluated: 2020-03-19. Review status: criteria provided, single submitter. Criteria: ACMG Guidelines, 2015. Collection method: clinical testing. Allele origin: germline.